The following is an entry in ClinVar:

NM_000257.4(MYH7):c.5458C>T (p.Arg1820Trp)

Gene: MYH7 (myosin heavy chain 7; minus strand). Cytogenetic location: 14q11.2.
Variant type: single nucleotide variant.
Coding change: c.5458C>T on transcript NM_000257.4 (MANE Select); coding-DNA position 5458, C replaced by T.
Protein change: p.Arg1820Trp; replaces arginine 1820 with tryptophan.
Molecular consequence: missense variant.
Genome position (GRCh38, 1-based): chr14:23,415,096, G>A on the plus strand (C>T on the coding strand, the complement: MYH7 is on the minus strand). VCF-style: chr14-23415096-G-A. GRCh37 (hg19) VCF-style: chr14-23884305-G-A.
Other names: p.R1820W:CGG>TGG; NM_000257.4(MYH7):c.5458C>T; c.5458C>T (LRG_384t1); short protein forms R1820W.
Identifiers: ClinVar variation 181282 (VCV000181282.25), dbSNP rs145734640, ClinGen allele CA016126.

ClinVar aggregate classification (germline): Uncertain significance. Review status: reviewed by expert panel (3 of 4 stars). 8 submissions from 8 submitters: Uncertain significance (1). 7 of the submissions do not count toward it. Last evaluated 2025-11-11.

Conditions:
Hypertrophic cardiomyopathy 1 (CMH1). Also called: Familial hypertrophic cardiomyopathy 1; MYH7-Related Familial Hypertrophic Cardiomyopathy. Identifiers: MedGen C3495498, MONDO:0008647, OMIM 192600.
Myopathy, myosin storage, autosomal recessive (CMYO7B). Also called: CONGENITAL MYOPATHY 7B, MYOSIN STORAGE, AUTOSOMAL RECESSIVE. Identifiers: Orphanet 636970, MedGen C1850709, MONDO:0009708, OMIM 255160.
Myosin storage myopathy (CMYO7A). Also called: MYOPATHY WITH LYSIS OF TYPE I MYOFIBRILS; MYH7-related late-onset scapuloperoneal muscular dystrophy; Congenital myopathy 7A, myosin storage, autosomal dominant; MYOPATHY, HYALINE BODY, AUTOSOMAL DOMINANT; Scapuloperoneal myopathy, MYH7-related; SCAPULOPERONEAL MUSCULAR DYSTROPHY. Identifiers: Orphanet 437572, Orphanet 636965, MedGen C1842160, MONDO:0008409, OMIM 608358.
Dilated cardiomyopathy 1S (CMD1S). Identifiers: Orphanet 154, Orphanet 54260, MedGen C1834481, MONDO:0013262, OMIM 613426.
Congenital myopathy with fiber type disproportion. Also called: Congenital fiber-type disproportion; Congenital fiber-type disproportion myopathy. Identifiers: Orphanet 2020, MedGen C0546264, MONDO:0009711. Inheritance: all.
MYH7-related skeletal myopathy. Also called: Myopathy, distal, 1; Laing early-onset distal myopathy; MYOPATHY, DISTAL, EARLY-ONSET, AUTOSOMAL DOMINANT; MYOPATHY, LATE DISTAL HEREDITARY; Laing distal myopathy. Identifiers: Orphanet 59135, MedGen C4552004, MONDO:0008050, OMIM 160500.
Cardiovascular phenotype. Identifiers: MedGen CN230736.
Cardiomyopathy (CMYO). Also called: Cardiomyopathies. Identifiers: Orphanet 167848, MedGen C0878544, MONDO:0004994, HP:0001638. Inheritance: Various modes of inheritance.
Primary dilated cardiomyopathy (DCM). Also called: Dilated Cardiomyopathy. Identifiers: Orphanet 217604, MedGen C0007193, MeSH D002311, MONDO:0005021, HP:0001644. Inheritance: Various modes of inheritance.
Hypertrophic cardiomyopathy. Also called: HYPERTROPHIC MYOCARDIOPATHY. Identifiers: Orphanet 217569, MedGen C0007194, MeSH D002312, MONDO:0005045, HP:0001639.

Allele frequency attached by ClinVar (database versions not stated): TOPMed 0.00002; ESP Exome Variant Server 0.00015.
gnomAD v4.1: 17 of 1,613,762 alleles (0.0011%); highest among the groups gnomAD compares: African/African-American, 0.0067%; no homozygotes.

Submissions (8):

ClinGen Cardiomyopathy Variant Curation Expert Panel
Classification: Uncertain significance for Primary dilated cardiomyopathy. Last evaluated: 2025-11-11. Review status: reviewed by expert panel. Criteria: ClinGen CMP ACMG Specifications v1. Collection method: curation. Allele origin: germline.
Comment: The c.5458C>T (p.Arg1820Trp) variant in MYH7 has been identified in the homozygous state in 2 brothers with myosin storage myopathy exhibiting scapuloperoneal and respiratory weakness as well as dilated cardiomyopathy (Yüceyar 2015 PMID:25666907); however, this data is insufficient to apply the PS4 criterion. This variant was identified in 0.00027% (FAF 95% CI; 2/129152) of Non-Finnish European chromosomes, 0.00142% (FAF 95% CI; 2/24966) of African chromosomes, and 1/19954 of East Asian chromosomes by gnomAD v2.1.1 (PM2). Computational prediction tools and conservation analysis suggest that this variant may impact the protein (PP3). In summary, due to insufficient evidence, this variant is classified as uncertain significance for myosin storage myopathy and cardiomyopathy. MYH7-specific ACMG/AMP criteria applied (Kelly 2018 PMID:29300372): PM2; PP3

Labcorp Genetics (formerly Invitae), Labcorp
Classification: Likely pathogenic for Hypertrophic cardiomyopathy. Last evaluated: 2026-01-14. Review status: criteria provided, single submitter. Criteria: Invitae Variant Classification Sherloc (09022015). Collection method: clinical testing. Allele origin: germline. Not counted in ClinVar's aggregate classification.
Comment: This sequence change replaces arginine, which is basic and polar, with tryptophan, which is neutral and slightly polar, at codon 1820 of the MYH7 protein (p.Arg1820Trp). This variant is present in population databases (rs145734640, gnomAD 0.008%). This missense change has been observed in individual(s) with autosomal recessive MYH7-related conditions (PMID: 25666907). It has also been observed to segregate with disease in related individuals. ClinVar contains an entry for this variant (Variation ID: 181282). Invitae Evidence Modeling of protein sequence and biophysical properties (such as structural, functional, and spatial information, amino acid conservation, physicochemical variation, residue mobility, and thermodynamic stability) indicates that this missense variant is expected to disrupt MYH7 protein function with a positive predictive value of 95%. In summary, the currently available evidence indicates that the variant is pathogenic, but additional data are needed to prove that conclusively. Therefore, this variant has been classified as Likely Pathogenic.

Color Diagnostics, LLC DBA Color Health
Classification: Uncertain significance for Cardiomyopathy. Last evaluated: 2025-05-05. Review status: criteria provided, single submitter. Criteria: ACMG Guidelines, 2015. Collection method: clinical testing. Allele origin: germline. Not counted in ClinVar's aggregate classification.
Comment: This missense variant replaces arginine with tryptophan at codon 1820 of the MYH7 protein. Computational prediction suggests that this variant may have a deleterious impact on protein structure and function. To our knowledge, functional studies have not been reported for this variant. This variant has been reported in an individual affected with hypertrophic cardiomyopathy (PMID: 39260623). It has also been reported in homozygous state in two siblings affected with myosin storage myopathy and dilated cardiomyopathy (PMID: 14659406, 25666907)both parents were clinically unaffected. This variant has been identified in 5/282684 chromosomes in the general population by the Genome Aggregation Database (gnomAD). The available evidence is insufficient to determine the role of this variant in disease conclusively. Therefore, this variant is classified as a Variant of Uncertain Significance.

Ambry Genetics
Classification: Uncertain significance for Cardiovascular phenotype. Last evaluated: 2025-03-31. Review status: criteria provided, single submitter. Criteria: Ambry Variant Classification Scheme 2023. Collection method: clinical testing. Allele origin: germline. Not counted in ClinVar's aggregate classification.
Comment: The p.R1820W variant (also known as c.5458C>T), located in coding exon 35 of the MYH7 gene, results from a C to T substitution at nucleotide position 5458. The arginine at codon 1820 is replaced by tryptophan, an amino acid with dissimilar properties. This alteration has been reported in the homozygous state in 2 siblings with myosin storage myopathy, one of whom has been diagnosed with dilated cardiomyopathy (Y&uuml;ceyar N et al. Neuromuscul. Disord., 2015 Apr;25:340-4). This variant was reported in individual(s) with features consistent with hypertrophic cardiomyopathy (Hag&egrave;ge A et al. Int J Cardiol. 2024 Dec;417:132542). This amino acid position is highly conserved in available vertebrate species. In addition, this alteration is predicted to be deleterious by in silico analysis. Based on the available evidence, the clinical significance of this variant remains unclear.

GeneDx
Classification: Uncertain significance. Last evaluated: 2025-02-25. Review status: criteria provided, single submitter. Criteria: GeneDx Variant Classification Process June 2021. Collection method: clinical testing. Allele origin: germline. Affected: yes. Not counted in ClinVar's aggregate classification.
Comment: Not observed at significant frequency in large population cohorts (gnomAD); In silico analysis supports that this missense variant has a deleterious effect on protein structure/function; This variant is associated with the following publications: (PMID: 27282841, 28973424, 34542152, 25666907)

Fulgent Genetics
Classification: Uncertain significance for MYH7-related skeletal myopathy; Myosin storage myopathy; Hypertrophic cardiomyopathy 1; Myopathy, myosin storage, autosomal recessive; Congenital myopathy 4A, autosomal dominant; Dilated cardiomyopathy 1S. Last evaluated: 2021-09-01. Review status: criteria provided, single submitter. Criteria: ACMG Guidelines, 2015. Collection method: clinical testing. Allele origin: unknown. Not counted in ClinVar's aggregate classification.

Eurofins Ntd Llc (ga)
Classification: Uncertain significance. Last evaluated: 2016-08-18. Review status: criteria provided, single submitter. Criteria: EGL Classification Definitions 2015. Collection method: clinical testing. Allele origin: germline. Observed: 1 variant allele, 1 heterozygote. Not counted in ClinVar's aggregate classification.

OMIM
Classification: Pathogenic for CONGENITAL MYOPATHY 7B, MYOSIN STORAGE, AUTOSOMAL RECESSIVE. Last evaluated: 2015-04-01. Review status: no assertion criteria provided. Collection method: literature only. Allele origin: germline. Not counted in ClinVar's aggregate classification.

Literature cited by the submitters: PubMed 25666907 (cited by 4 submitters); PubMed 14659406 (cited by Color Diagnostics, LLC DBA Color Health and OMIM); PubMed 39260623 (cited by Color Diagnostics, LLC DBA Color Health and Ambry Genetics); PubMed 17372140 (cited by Ambry Genetics); PubMed 21310275 (cited by Ambry Genetics); PubMed 29170849 (cited by Ambry Genetics); PubMed 31130376 (cited by Ambry Genetics).